The following is an entry in ClinVar:

NM_000081.4(LYST):c.4863-1G>C

Gene: LYST (lysosomal trafficking regulator; minus strand). Cytogenetic location: 1q42.3.
Variant type: single nucleotide variant.
Coding change: c.4863-1G>C on transcript NM_000081.4 (MANE Select); the canonical splice acceptor site of the intron before coding-DNA position 4863, G replaced by C.
Molecular consequence: splice acceptor variant.
Genome position (GRCh38, 1-based): chr1:235,782,088, C>G on the plus strand (G>C on the coding strand, the complement: LYST is on the minus strand). VCF-style: chr1-235782088-C-G. GRCh37 (hg19) VCF-style: chr1-235945388-C-G.
Other names: c.4863-1G>C (NM_001301365.1).
Identifiers: ClinVar variation 1942596 (VCV001942596.6), dbSNP rs2528043946, ClinGen allele CA344956567.

ClinVar aggregate classification (germline): Likely pathogenic. Review status: criteria provided, multiple submitters, no conflicts (2 of 4 stars). 2 submissions from 2 submitters: Likely pathogenic (2). Last evaluated 2025-01-27.

Conditions:
Chédiak-Higashi syndrome (CHS). Also called: Chediak-Higashi Syndrome. Identifiers: Orphanet 167, MedGen C0007965, MONDO:0008963, OMIM 214500.

Submissions (2):

Labcorp Genetics (formerly Invitae), Labcorp
Classification: Likely pathogenic for Chédiak-Higashi syndrome. Last evaluated: 2025-01-27. Review status: criteria provided, single submitter. Criteria: Invitae Variant Classification Sherloc (09022015). Collection method: clinical testing. Allele origin: germline.
Comment: This sequence change affects an acceptor splice site in intron 14 of the LYST gene. It is expected to disrupt RNA splicing. Variants that disrupt the donor or acceptor splice site typically lead to a loss of protein function (PMID: 16199547), and loss-of-function variants in LYST are known to be pathogenic (PMID: 9215679, 11857544). This variant is not present in population databases (gnomAD no frequency). This variant has not been reported in the literature in individuals affected with LYST-related conditions. ClinVar contains an entry for this variant (Variation ID: 1942596). Algorithms developed to predict the effect of sequence changes on RNA splicing suggest that this variant may disrupt the consensus splice site. In summary, the currently available evidence indicates that the variant is pathogenic, but additional data are needed to prove that conclusively. Therefore, this variant has been classified as Likely Pathogenic.

Baylor Genetics
Classification: Likely pathogenic for Chédiak-Higashi syndrome. Last evaluated: 2023-11-28. Review status: criteria provided, single submitter. Criteria: ACMG Guidelines, 2015. Collection method: clinical testing. Allele origin: unknown.

Literature cited by the submitters: PubMed 16199547 (cited by Labcorp Genetics (formerly Invitae), Labcorp); PubMed 9215679 (cited by Labcorp Genetics (formerly Invitae), Labcorp); PubMed 11857544 (cited by Labcorp Genetics (formerly Invitae), Labcorp).